The following is an entry in ClinVar:

NM_000057.4(BLM):c.1183G>A (p.Asp395Asn)

Gene: BLM (BLM RecQ like helicase; plus strand). Cytogenetic location: 15q26.1.
Variant type: single nucleotide variant.
Coding change: c.1183G>A on transcript NM_000057.4 (MANE Select); coding-DNA position 1183, G replaced by A.
Protein change: p.Asp395Asn; replaces aspartic acid 395 with asparagine.
Molecular consequence: missense variant.
Genome position (GRCh38, 1-based): chr15:90,760,242, G>A. VCF-style: chr15-90760242-G-A. GRCh37 (hg19) VCF-style: chr15-91303472-G-A.
Other names: c.1183G>A, p.Asp395Asn (NM_001287246.2, NM_001287247.2); c.58G>A, p.Asp20Asn (NM_001287248.2); short protein forms D395N, D20N.
Identifiers: ClinVar variation 3679347 (VCV003679347.3).
Genomic context (GRCh38, chr15:90,760,242, plus strand): 5'-GTGATGGAGCACATCTGTAAATTAATTGATACTATTCCTGATGATAAACTGAAACTTTTG[G>A]ATTGTGGGAACGAACTGCTTCAGCAGCGGAACATAAGGTATCTTAATTTTCCCCCTTCTG-3'
Protein context (NP_000048.1, residues 385-405): TIPDDKLKLL[Asp395Asn]CGNELLQQRN

ClinVar aggregate classification (germline): Uncertain significance. Review status: criteria provided, multiple submitters, no conflicts (2 of 4 stars). 2 submissions from 2 submitters: Uncertain significance (2). Last evaluated 2025-09-09.

Conditions:
Hereditary cancer-predisposing syndrome. Also called: Neoplastic Syndromes, Hereditary; Tumor predisposition; Hereditary Cancer Syndrome; Hereditary neoplastic syndrome. Identifiers: Orphanet 140162, MedGen C0027672, MeSH D009386, MONDO:0015356.
Bloom syndrome (BLM). Also called: Bloom-Torre-Machacek syndrome. Identifiers: Orphanet 125, MedGen C0005859, MONDO:0008876, OMIM 210900.

Submissions (2):

Labcorp Genetics (formerly Invitae), Labcorp
Classification: Uncertain significance for Bloom syndrome. Last evaluated: 2025-09-09. Review status: criteria provided, single submitter. Criteria: Invitae Variant Classification Sherloc (09022015). Collection method: clinical testing. Allele origin: germline.
Comment: This sequence change replaces aspartic acid, which is acidic and polar, with asparagine, which is neutral and polar, at codon 395 of the BLM protein (p.Asp395Asn). This variant is not present in population databases (gnomAD no frequency). This variant has not been reported in the literature in individuals affected with BLM-related conditions. ClinVar contains an entry for this variant (Variation ID: 3679347). Invitae Evidence Modeling of protein sequence and biophysical properties (such as structural, functional, and spatial information, amino acid conservation, physicochemical variation, residue mobility, and thermodynamic stability) indicates that this missense variant is not expected to disrupt BLM protein function with a negative predictive value of 80%. Algorithms developed to predict the effect of sequence changes on RNA splicing suggest that this variant may disrupt the consensus splice site. In summary, the available evidence is currently insufficient to determine the role of this variant in disease. Therefore, it has been classified as a Variant of Uncertain Significance.

Ambry Genetics
Classification: Uncertain significance for Hereditary cancer-predisposing syndrome. Last evaluated: 2025-03-03. Review status: criteria provided, single submitter. Criteria: Ambry Variant Classification Scheme 2023. Collection method: clinical testing. Allele origin: germline.
Comment: The p.D395N variant (also known as c.1183G>A), located in coding exon 5 of the BLM gene, results from a G to A substitution at nucleotide position 1183. The aspartic acid at codon 395 is replaced by asparagine, an amino acid with highly similar properties. This amino acid position is conserved. In addition, this alteration is predicted to be tolerated by in silico analysis. Based on the available evidence, the clinical significance of this variant remains unclear.